The following is an entry in ClinVar:

ClinVar aggregate classification (germline): Uncertain significance (1 of 4 stars; one submission).

Conditions:
DYRK1A-related intellectual disability syndrome (MRD7). Also called: DYRK1A Syndrome; Intellectual developmental disorder, autosomal dominant 7. Identifiers: Orphanet 464306, MedGen C5568143, MONDO:0013578, OMIM 614104.

gnomAD v4.1: 1 of 1,614,032 alleles (0.000062%); highest among the groups gnomAD compares: African/African-American, 0.0013%; no homozygotes.

Submission:

Labcorp Genetics (formerly Invitae), Labcorp
Classification: Uncertain significance for DYRK1A-related intellectual disability syndrome. Last evaluated: 2025-10-17. Review status: criteria provided, single submitter. Criteria: Invitae Variant Classification Sherloc (09022015). Collection method: clinical testing. Allele origin: germline.
Comment: This sequence change replaces alanine, which is neutral and non-polar, with valine, which is neutral and non-polar, at codon 623 of the DYRK1A protein (p.Ala623Val). This variant is not present in population databases (gnomAD no frequency). This variant has not been reported in the literature in individuals affected with DYRK1A-related conditions. Invitae Evidence Modeling of protein sequence and biophysical properties (such as structural, functional, and spatial information, amino acid conservation, physicochemical variation, residue mobility, and thermodynamic stability) indicates that this missense variant is not expected to disrupt DYRK1A protein function with a negative predictive value of 95%. In summary, the available evidence is currently insufficient to determine the role of this variant in disease. Therefore, it has been classified as a Variant of Uncertain Significance.

NM_001347721.2(DYRK1A):c.1841C>T (p.Ala614Val)

Gene: DYRK1A (dual specificity tyrosine phosphorylation regulated kinase 1A; plus strand). Cytogenetic location: 21q22.13.
Variant type: single nucleotide variant.
Coding change: c.1841C>T on transcript NM_001347721.2 (MANE Select); coding-DNA position 1841, C replaced by T.
Protein change: p.Ala614Val; replaces alanine 614 with valine.
Molecular consequence: missense variant. On other transcripts: 3 prime UTR variant (2).
Genome position (GRCh38, 1-based): chr21:37,512,107, C>T. VCF-style: chr21-37512107-C-T. GRCh37 (hg19) VCF-style: chr21-38884410-C-T.
Other names: c.1841C>T, p.Ala614Val (NM_130436.2, NM_001347722.2); c.*153C>T (NM_130438.2); c.1754C>T, p.Ala585Val (NM_001347723.2); c.1868C>T, p.Ala623Val (NM_001396.5); c.*244C>T (NM_101395.2); short protein forms A585V, A623V, A614V.
Identifiers: ClinVar variation 4695719 (VCV004695719.1).